The following is an entry in ClinVar:

NM_005188.4(CBL):c.889T>C (p.Cys297Arg)

Gene: CBL (Cbl proto-oncogene; plus strand). Cytogenetic location: 11q23.3.
Variant type: single nucleotide variant.
Coding change: c.889T>C on transcript NM_005188.4 (MANE Select); coding-DNA position 889, T replaced by C.
Protein change: p.Cys297Arg; replaces cysteine 297 with arginine.
Molecular consequence: missense variant.
Genome position (GRCh38, 1-based): chr11:119,276,016, T>C. VCF-style: chr11-119276016-T-C. GRCh37 (hg19) VCF-style: chr11-119146726-T-C.
Other names: short protein forms C297R.
Identifiers: ClinVar variation 3827809 (VCV003827809.1).

ClinVar aggregate classification (germline): Uncertain significance (1 of 4 stars; one submission).

Conditions:
Cardiovascular phenotype. Identifiers: MedGen CN230736.

Submission:

Ambry Genetics
Classification: Uncertain significance for Cardiovascular phenotype. Last evaluated: 2025-01-11. Review status: criteria provided, single submitter. Criteria: Ambry Variant Classification Scheme 2023. Collection method: clinical testing. Allele origin: germline.
Comment: The p.C297R variant (also known as c.889T>C), located in coding exon 6 of the CBL gene, results from a T to C substitution at nucleotide position 889. The cysteine at codon 297 is replaced by arginine, an amino acid with highly dissimilar properties. This amino acid position is conserved. In addition, this alteration is predicted to be deleterious by in silico analysis. Based on the available evidence, the clinical significance of this variant remains unclear.